The following is an entry in ClinVar:

ClinVar aggregate classification (germline): Uncertain significance (1 of 4 stars; one submission).

Conditions:
Inborn genetic diseases. Identifiers: MedGen C0950123, MeSH D030342.

Allele frequency attached by ClinVar (database versions not stated): gnomAD 0.00001.
gnomAD v4.1: 10 of 1,613,564 alleles (0.00062%); highest among the groups gnomAD compares: Non-Finnish European, 0.00085%; no homozygotes.

Submission:

Ambry Genetics
Classification: Uncertain significance for Inborn genetic diseases. Last evaluated: 2023-01-19. Review status: criteria provided, single submitter. Criteria: Ambry Variant Classification Scheme 2023. Collection method: clinical testing. Allele origin: germline.
Comment: The p.R380P variant (also known as c.1139G>C), located in coding exon 12 of the ERCC2 gene, results from a G to C substitution at nucleotide position 1139. The arginine at codon 380 is replaced by proline, an amino acid with dissimilar properties. This amino acid position is conserved. In addition, the in silico prediction for this alteration is inconclusive. Since supporting evidence is limited at this time, the clinical significance of this alteration remains unclear.

NM_000400.4(ERCC2):c.1139G>C (p.Arg380Pro)

Gene: ERCC2 (ERCC excision repair 2, TFIIH core complex helicase subunit; minus strand). Cytogenetic location: 19q13.32.
Variant type: single nucleotide variant.
Coding change: c.1139G>C on transcript NM_000400.4 (MANE Select); coding-DNA position 1139, G replaced by C.
Protein change: p.Arg380Pro; replaces arginine 380 with proline.
Molecular consequence: missense variant.
Genome position (GRCh38, 1-based): chr19:45,361,622, C>G on the plus strand (G>C on the coding strand, the complement: ERCC2 is on the minus strand). VCF-style: chr19-45361622-C-G. GRCh37 (hg19) VCF-style: chr19-45864880-C-G.
Other names: c.1067G>C, p.Arg356Pro (NM_001130867.2); short protein forms R380P, R356P.
Identifiers: ClinVar variation 2479776 (VCV002479776.2), dbSNP rs752646404, ClinGen allele CA308964324.